The following is an entry in ClinVar:

NM_005591.4(MRE11):c.709T>C (p.Phe237Leu)

Gene: MRE11 (MRE11 double strand break repair nuclease; minus strand). Cytogenetic location: 11q21.
Variant type: single nucleotide variant.
Coding change: c.709T>C on transcript NM_005591.4 (MANE Select); coding-DNA position 709, T replaced by C.
Protein change: p.Phe237Leu; replaces phenylalanine 237 with leucine.
Molecular consequence: missense variant.
Genome position (GRCh38, 1-based): chr11:94,471,710, A>G on the plus strand (T>C on the coding strand, the complement: MRE11 is on the minus strand). VCF-style: chr11-94471710-A-G. GRCh37 (hg19) VCF-style: chr11-94204876-A-G.
Other names: c.709T>C, p.Phe237Leu (NM_001330347.2, NM_005590.4); short protein forms F237L.
Identifiers: ClinVar variation 1800262 (VCV001800262.2), dbSNP rs2496497336, ClinGen allele CA382375853.
Genomic context (GRCh38, chr11:94,471,710, plus strand): 5'-CATTTTTGGTTGGAGCTATTTTACACTCATGTTCATGGCCCCAGATAACAAGATCAATGA[A>G]GTCATCCAAAAATTGTTCTGGAATGAAGTTAGTACTTCCATGTTTACTCCTGTATCAAGA-3'
Protein context (NP_005582.1, residues 227-247): NFIPEQFLDD[Phe237Leu]IDLVIWGHEH

ClinVar aggregate classification (germline): Uncertain significance (1 of 4 stars; one submission).

Conditions:
Hereditary cancer-predisposing syndrome. Also called: Neoplastic Syndromes, Hereditary; Tumor predisposition; Hereditary Cancer Syndrome; Hereditary neoplastic syndrome. Identifiers: Orphanet 140162, MedGen C0027672, MeSH D009386, MONDO:0015356.

Submission:

Ambry Genetics
Classification: Uncertain significance for Hereditary cancer-predisposing syndrome. Last evaluated: 2020-03-04. Review status: criteria provided, single submitter. Criteria: Ambry Variant Classification Scheme 2023. Collection method: clinical testing. Allele origin: germline.
Comment: The p.F237L variant (also known as c.709T>C), located in coding exon 7 of the MRE11A gene, results from a T to C substitution at nucleotide position 709. The phenylalanine at codon 237 is replaced by leucine, an amino acid with highly similar properties. This amino acid position is highly conserved in available vertebrate species. In addition, this alteration is predicted to be deleterious by in silico analysis. Since supporting evidence is limited at this time, the clinical significance of this alteration remains unclear.